The following is an entry in ClinVar:

ClinVar aggregate classification (germline): Uncertain significance (1 of 4 stars; one submission).

Allele frequency attached by ClinVar (database versions not stated): gnomAD exomes below 0.00001.
gnomAD v4.1: 3 of 1,520,376 alleles (0.0002%); highest among the groups gnomAD compares: Non-Finnish European, 0.00026%; no homozygotes.

Submission:

Labcorp Genetics (formerly Invitae), Labcorp
Classification: Uncertain significance. Last evaluated: 2023-02-03. Review status: criteria provided, single submitter. Criteria: Invitae Variant Classification Sherloc (09022015). Collection method: clinical testing. Allele origin: germline.
Comment: In summary, the available evidence is currently insufficient to determine the role of this variant in disease. Therefore, it has been classified as a Variant of Uncertain Significance. Experimental studies and prediction algorithms are not available or were not evaluated, and the functional significance of this variant is currently unknown. This variant has not been reported in the literature in individuals affected with SHANK1-related conditions. This variant is not present in population databases (gnomAD no frequency). This sequence change replaces proline, which is neutral and non-polar, with serine, which is neutral and polar, at codon 1482 of the SHANK1 protein (p.Pro1482Ser).

NM_016148.5(SHANK1):c.4444C>T (p.Pro1482Ser)

Gene: SHANK1 (SH3 and multiple ankyrin repeat domains 1; minus strand). Cytogenetic location: 19q13.33.
Variant type: single nucleotide variant.
Coding change: c.4444C>T on transcript NM_016148.5 (MANE Select); coding-DNA position 4444, C replaced by T.
Protein change: p.Pro1482Ser; replaces proline 1482 with serine.
Molecular consequence: missense variant.
Genome position (GRCh38, 1-based): chr19:50,667,516, G>A on the plus strand (C>T on the coding strand, the complement: SHANK1 is on the minus strand). VCF-style: chr19-50667516-G-A. GRCh37 (hg19) VCF-style: chr19-51170773-G-A.
Other names: short protein forms P1482S.
Identifiers: ClinVar variation 2834019 (VCV002834019.3), dbSNP rs2513879121, ClinGen allele CA407014075.